The following is an entry in ClinVar:

ClinVar aggregate classification (germline): Uncertain significance. Review status: criteria provided, multiple submitters, no conflicts (2 of 4 stars). 2 submissions from 2 submitters: Uncertain significance (2). Last evaluated 2023-12-15.

Allele frequency attached by ClinVar (database versions not stated): gnomAD 0.00001; gnomAD exomes 0.00002 and 0.00003; TOPMed 0.00002; ExAC 0.00005.
gnomAD v4.1: 34 of 1,606,618 alleles (0.0021%); highest among the groups gnomAD compares: East Asian, 0.027%; no homozygotes.

Submissions (2):

Labcorp Genetics (formerly Invitae), Labcorp
Classification: Uncertain significance. Last evaluated: 2023-12-15. Review status: criteria provided, single submitter. Criteria: Invitae Variant Classification Sherloc (09022015). Collection method: clinical testing. Allele origin: germline.
Comment: This sequence change replaces aspartic acid, which is acidic and polar, with asparagine, which is neutral and polar, at codon 361 of the MNX1 protein (p.Asp361Asn). This variant is present in population databases (rs765048574, gnomAD 0.02%). This variant has not been reported in the literature in individuals affected with MNX1-related conditions. ClinVar contains an entry for this variant (Variation ID: 1520350). An algorithm developed to predict the effect of missense changes on protein structure and function (PolyPhen-2) suggests that this variant is likely to be disruptive. In summary, the available evidence is currently insufficient to determine the role of this variant in disease. Therefore, it has been classified as a Variant of Uncertain Significance.

GeneDx
Classification: Uncertain significance. Last evaluated: 2022-04-26. Review status: criteria provided, single submitter. Criteria: GeneDx Variant Classification Process June 2021. Collection method: clinical testing. Allele origin: germline. Affected: yes.
Comment: In silico analysis supports that this missense variant does not alter protein structure/function; Has not been previously published as pathogenic or benign to our knowledge

NM_005515.4(MNX1):c.1081G>A (p.Asp361Asn)

Gene: MNX1 (motor neuron and pancreas homeobox 1; minus strand). Cytogenetic location: 7q36.3.
Variant type: single nucleotide variant.
Coding change: c.1081G>A on transcript NM_005515.4 (MANE Select); coding-DNA position 1081, G replaced by A.
Protein change: p.Asp361Asn; replaces aspartic acid 361 with asparagine.
Molecular consequence: missense variant.
Genome position (GRCh38, 1-based): chr7:157,005,645, C>T on the plus strand (G>A on the coding strand, the complement: MNX1 is on the minus strand). VCF-style: chr7-157005645-C-T. GRCh37 (hg19) VCF-style: chr7-156798339-C-T.
Other names: c.445G>A, p.Asp149Asn (NM_001165255.2); short protein forms D149N, D361N.
Identifiers: ClinVar variation 1520350 (VCV001520350.7), dbSNP rs765048574, ClinGen allele CA4589122.
Genomic context (GRCh38, chr7:157,005,645, plus strand): 5'-AGGAGGCGGCGTGGACGCTGGCGCCGTTGCTGTAGGGGAAATGGTCCTCGTCGTCCTCGT[C>T]CTCGTCCTCCTCGGGGTCACTGTCCCTCAAGTCCCGCAGGCGGCGTCCGCTGCCCTTGTC-3'
Protein context (NP_005506.3, residues 351-371): LRDSDPEEDE[Asp361Asn]EDDEDHFPYS